The following is an entry in ClinVar:

ClinVar aggregate classification (germline): Pathogenic (1 of 4 stars; one submission).

Conditions:
Aromatase deficiency. Also called: PSEUDOHERMAPHRODITISM, FEMALE, DUE TO PLACENTAL AROMATASE DEFICIENCY; Increased aromatase activity. Identifiers: Orphanet 91, MedGen C1960539, MONDO:0013301, OMIM 613546.

Submission:

Natera, Inc.
Classification: Pathogenic for Aromatase deficiency. Last evaluated: 2024-03-21. Review status: criteria provided, single submitter. Criteria: Natera Variant Classification Schema (03/2026). Collection method: clinical testing. Allele origin: germline.
Comment: The c.744-3_747delCAGCAAG variant in CYP19A1 is a frameshift variant predicted to shift the reading frame and introduce a stop codon. This variant is expected to result in nonsense mediated decay, truncation, or a dysfunctional protein product. This variant is rare in the general population with a frequency below the threshold expected for the associated phenotype(s). Another variant at this same site results in an alteration predicted to cause a similar molecular effect has been observed in individual(s) with the associated phenotype. Given the available evidence, this variant is classified as Pathogenic.

NM_000103.4(CYP19A1):c.744-3_747del

Genes: MIR4713HG (MIR4713 host gene; plus strand), PIRC66 (piwi-interacting RNA cluster 66; plus strand), CYP19A1 (cytochrome P450 family 19 subfamily A member 1; minus strand). Cytogenetic location: 15q21.2.
Variant type: Deletion.
Coding change: c.744-3_747del on transcript NM_000103.4 (MANE Select); 3 bases into the intron before coding-DNA position 744 through coding-DNA position 747, 7 bases deleted (CAGCAAG; older notation c.744-3_747delCAGCAAG).
Molecular consequence: splice acceptor variant.
Genome position (GRCh38, 1-based): chr15:51,215,814-51,215,820, CTTGCTG deleted on the plus strand (CAGCAAG on the coding strand, the reverse complement: CYP19A1 is on the minus strand). VCF-style (leftmost placement, unchanged base first): chr15-51215813-CCTTGCTG-C. GRCh37 (hg19) VCF-style: chr15-51508010-CCTTGCTG-C.
Other names: c.744-3_747del (NM_031226.3, NM_001347248.1, NM_001347249.2 and 7 more transcripts).
Identifiers: ClinVar variation 4816278 (VCV004816278.1).